The following is an entry in ClinVar:

ClinVar aggregate classification (germline): Uncertain significance (1 of 4 stars; one submission).

Allele frequency attached by ClinVar (database versions not stated): gnomAD exomes below 0.00001.
gnomAD v4.1: 4 of 1,614,018 alleles (0.00025%); highest among the groups gnomAD compares: Non-Finnish European, 0.00034%; no homozygotes.

Submission:

Labcorp Genetics (formerly Invitae), Labcorp
Classification: Uncertain significance. Last evaluated: 2022-08-23. Review status: criteria provided, single submitter. Criteria: Invitae Variant Classification Sherloc (09022015). Collection method: clinical testing. Allele origin: germline.
Comment: In summary, the available evidence is currently insufficient to determine the role of this variant in disease. Therefore, it has been classified as a Variant of Uncertain Significance. Algorithms developed to predict the effect of missense changes on protein structure and function (SIFT, PolyPhen-2, Align-GVGD) all suggest that this variant is likely to be tolerated. ClinVar contains an entry for this variant (Variation ID: 1423256). This variant has not been reported in the literature in individuals affected with RUSC2-related conditions. This variant is not present in population databases (gnomAD no frequency). This sequence change replaces valine, which is neutral and non-polar, with methionine, which is neutral and non-polar, at codon 1250 of the RUSC2 protein (p.Val1250Met).

NM_014806.5(RUSC2):c.3748G>A (p.Val1250Met)

Gene: RUSC2 (RUN and SH3 domain containing 2; plus strand). Cytogenetic location: 9p13.3.
Variant type: single nucleotide variant.
Coding change: c.3748G>A on transcript NM_014806.5 (MANE Select); coding-DNA position 3748, G replaced by A.
Protein change: p.Val1250Met; replaces valine 1250 with methionine.
Molecular consequence: missense variant. On other transcripts: non-coding transcript variant (1).
Genome position (GRCh38, 1-based): chr9:35,560,388, G>A. VCF-style: chr9-35560388-G-A. GRCh37 (hg19) VCF-style: chr9-35560385-G-A.
Other names: c.3748G>A, p.Val1250Met (NM_001135999.2); c.1114G>A, p.Val372Met (NM_001330740.2); short protein forms V1250M, V372M.
Identifiers: ClinVar variation 1423256 (VCV001423256.5), dbSNP rs1249296574, ClinGen allele CA373354670.